The following is an entry in ClinVar:

ClinVar aggregate classification (germline): Uncertain significance (1 of 4 stars; one submission).

Conditions:
Neurofibromatosis, type 1 (NF1). Also called: Peripheral type neurofibromatosis; VON RECKLINGHAUSEN DISEASE; NEUROFIBROMATOSIS, TYPE I, SOMATIC; Neurofibromatosis, type I. Identifiers: Orphanet 636, MedGen C0027831, MONDO:0018975, OMIM 162200. Disease mechanism: loss of function.

Submission:

Labcorp Genetics (formerly Invitae), Labcorp
Classification: Uncertain significance for Neurofibromatosis, type 1. Last evaluated: 2019-07-19. Review status: criteria provided, single submitter. Criteria: Invitae Variant Classification Sherloc (09022015). Collection method: clinical testing. Allele origin: germline.
Comment: In summary, the available evidence is currently insufficient to determine the role of this variant in disease. Therefore, it has been classified as a Variant of Uncertain Significance. Algorithms developed to predict the effect of missense changes on protein structure and function are either unavailable or do not agree on the potential impact of this missense change (SIFT: "Deleterious"; PolyPhen-2: "Probably Damaging"; Align-GVGD: "Class C0"). This variant has not been reported in the literature in individuals with NF1-related conditions. This variant is not present in population databases (ExAC no frequency). This sequence change replaces valine with phenylalanine at codon 2778 of the NF1 protein (p.Val2778Phe). The valine residue is moderately conserved and there is a small physicochemical difference between valine and phenylalanine.

NM_001042492.3(NF1):c.8395G>T (p.Val2799Phe)

Gene: NF1 (neurofibromin 1; plus strand). Cytogenetic location: 17q11.2.
Variant type: single nucleotide variant.
Coding change: c.8395G>T on transcript NM_001042492.3 (MANE Select); coding-DNA position 8395, G replaced by T.
Protein change: p.Val2799Phe; replaces valine 2799 with phenylalanine.
Molecular consequence: missense variant.
Genome position (GRCh38, 1-based): chr17:31,374,030, G>T. VCF-style: chr17-31374030-G-T. GRCh37 (hg19) VCF-style: chr17-29701048-G-T.
Other names: c.8332G>T, p.Val2778Phe (NM_000267.4); short protein forms V2799F, V2778F.
Identifiers: ClinVar variation 962510 (VCV000962510.6), dbSNP rs377393842, ClinGen allele CA399205886.
Genomic context (GRCh38, chr17:31,374,030, plus strand): 5'-GGAAGGAAAAGAAGAAGTAACTGGCTGTTCTCTTTTTCTCCAGGAATCGACAAGGAGAAC[G>T]TTGAACTCTCCCCTACCACTGGCCACTGTAACAGTGGACGAACTCGCCACGGATCCGCAA-3'
Protein context (NP_001035957.1, residues 2789-2809): QHSPGIDKEN[Val2799Phe]ELSPTTGHCN